The following is an entry in ClinVar:

NM_000487.6(ARSA):c.1196A>G (p.His399Arg)

Gene: ARSA (arylsulfatase A; minus strand). Cytogenetic location: 22q13.33.
Variant type: single nucleotide variant.
Coding change: c.1196A>G on transcript NM_000487.6 (MANE Select); coding-DNA position 1196, A replaced by G.
Protein change: p.His399Arg; replaces histidine 399 with arginine.
Molecular consequence: missense variant.
Genome position (GRCh38, 1-based): chr22:50,625,593, T>C on the plus strand (A>G on the coding strand, the complement: ARSA is on the minus strand). VCF-style: chr22-50625593-T-C. GRCh37 (hg19) VCF-style: chr22-51064021-T-C.
Other names: c.1196A>G, p.His399Arg (NM_001085425.3, NM_001085426.3, NM_001085427.3); c.938A>G, p.His313Arg (NM_001085428.3, NM_001362782.2); short protein forms H313R, H399R.
Identifiers: ClinVar variation 2032199 (VCV002032199.5), dbSNP rs1603444881, ClinGen allele CA412169832.

ClinVar aggregate classification (germline): Conflicting classifications of pathogenicity. Review status: criteria provided, conflicting classifications (1 of 4 stars). 2 submissions from 2 submitters: Likely pathogenic (1); Uncertain significance (1). Last evaluated 2025-11-14.

Conditions:
Metachromatic leukodystrophy (MLD). Also called: METACHROMATIC LEUKOENCEPHALOPATHY; SULFATIDE LIPIDOSIS; Arylsulfatase A Deficiency; Cerebral sclerosis diffuse metachromatic form; ARSA DEFICIENCY; CEREBROSIDE SULFATASE DEFICIENCY. Identifiers: Orphanet 512, MedGen C0023522, MONDO:0018868, OMIM 250100.

Submissions (2):

Women's Health and Genetics/Laboratory Corporation of America, LabCorp
Classification: Uncertain significance. Last evaluated: 2025-11-14. Review status: criteria provided, single submitter. Criteria: LabCorp Variant Classification Summary - May 2015. Collection method: clinical testing. Allele origin: germline.
Comment: Variant summary: ARSA c.1196A>G (p.His399Arg) results in a non-conservative amino acid change in the encoded protein sequence. Algorithms developed to predict the effect of missense changes on protein structure and function all suggest that this variant is likely to be disruptive. The variant was absent in 251068 control chromosomes. The available data on variant occurrences in the general population are insufficient to allow any conclusion about variant significance. To our knowledge, no occurrence of c.1196A>G in individuals affected with ARSA-related conditions and no experimental evidence demonstrating its impact on protein function have been reported. ClinVar contains an entry for this variant (Variation ID: 2032199). Based on the evidence outlined above, the variant was classified as uncertain significance.

Labcorp Genetics (formerly Invitae), Labcorp
Classification: Likely pathogenic for Metachromatic leukodystrophy. Last evaluated: 2023-12-11. Review status: criteria provided, single submitter. Criteria: Invitae Variant Classification Sherloc (09022015). Collection method: clinical testing. Allele origin: germline.
Comment: This sequence change replaces histidine, which is basic and polar, with arginine, which is basic and polar, at codon 399 of the ARSA protein (p.His399Arg). This variant is not present in population databases (gnomAD no frequency). This variant has not been reported in the literature in individuals affected with ARSA-related conditions. ClinVar contains an entry for this variant (Variation ID: 2032199). Advanced modeling of protein sequence and biophysical properties (such as structural, functional, and spatial information, amino acid conservation, physicochemical variation, residue mobility, and thermodynamic stability) performed at Invitae indicates that this missense variant is expected to disrupt ARSA protein function with a positive predictive value of 95%. This variant disrupts the p.His399 amino acid residue in ARSA. Other variant(s) that disrupt this residue have been determined to be pathogenic (PMID: 9452102, 20339381, 28762252). This suggests that this residue is clinically significant, and that variants that disrupt this residue are likely to be disease-causing. In summary, the currently available evidence indicates that the variant is pathogenic, but additional data are needed to prove that conclusively. Therefore, this variant has been classified as Likely Pathogenic.

Literature cited by the submitters: PubMed 9452102 (cited by Labcorp Genetics (formerly Invitae), Labcorp); PubMed 20339381 (cited by Labcorp Genetics (formerly Invitae), Labcorp); PubMed 28762252 (cited by Labcorp Genetics (formerly Invitae), Labcorp).